The following is an entry in ClinVar:

NM_153766.3(KCNJ1):c.1013T>C (p.Met338Thr)

Gene: KCNJ1 (potassium inwardly rectifying channel subfamily J member 1; minus strand). Cytogenetic location: 11q24.3.
Variant type: single nucleotide variant.
Coding change: c.1013T>C on transcript NM_153766.3 (MANE Select); coding-DNA position 1013, T replaced by C.
Protein change: p.Met338Thr; replaces methionine 338 with threonine.
Molecular consequence: missense variant.
Genome position (GRCh38, 1-based): chr11:128,839,231, A>G on the plus strand (T>C on the coding strand, the complement: KCNJ1 is on the minus strand). VCF-style: chr11-128839231-A-G. GRCh37 (hg19) VCF-style: chr11-128709126-A-G.
Other names: p.Met357Thr; c.1070T>C, p.Met357Thr (NM_000220.6); c.1013T>C, p.Met338Thr (NM_153764.3, NM_153767.4); c.1064T>C, p.Met355Thr (NM_153765.3); c.1070T>C (NM_000220.5); short protein forms M338T, M355T, M357T.
Identifiers: ClinVar variation 9158 (VCV000009158.22), dbSNP rs59172778, ClinGen allele CA120156.

ClinVar aggregate classification (germline): Benign/Likely benign. Review status: criteria provided, multiple submitters, no conflicts (2 of 4 stars). 13 submissions from 13 submitters: Benign (6); Likely benign (3). 4 of the submissions do not count toward it. Last evaluated 2026-09-01.

Conditions:
KCNJ1-related disorder. Also called: KCNJ1-related condition.
Bartter disease type 2. Also called: HYPERPROSTAGLANDIN E SYNDROME 2; HYPOKALEMIC ALKALOSIS WITH HYPERCALCIURIA 2, ANTENATAL; Bartter syndrome, type 2, antenatal. Identifiers: Orphanet 112, Orphanet 620220, MedGen C1855849, MONDO:0009424, OMIM 241200.

Allele frequency attached by ClinVar (database versions not stated): 1000 Genomes Project 0.00280; TOPMed 0.00672; ExAC 0.00803; gnomAD 0.00742; gnomAD exomes 0.00728 and 0.01001; 1000 Genomes Project 30x 0.00297.
gnomAD v4.1: 15,659 of 1,614,112 alleles (0.97%); highest among the groups gnomAD compares: Non-Finnish European, 1.2%; 88 homozygotes.

Submissions (13):

CeGaT Center for Human Genetics Tuebingen
Classification: Benign. Last evaluated: 2026-09-01. Review status: criteria provided, single submitter. Criteria: CeGaT Center For Human Genetics Tuebingen Variant Classification Criteria Version 2. Collection method: clinical testing. Allele origin: germline. Affected: yes. Observed: 1 variant allele.
Comment: KCNJ1: BS1, BS2

Labcorp Genetics (formerly Invitae), Labcorp
Classification: Benign. Last evaluated: 2026-02-04. Review status: criteria provided, single submitter. Criteria: Invitae Variant Classification Sherloc (09022015). Collection method: clinical testing. Allele origin: germline.

Mayo Clinic Laboratories, Mayo Clinic
Classification: Likely benign. Last evaluated: 2025-06-10. Review status: criteria provided, single submitter. Criteria: ACMG Guidelines, 2015. Collection method: clinical testing. Allele origin: germline. Observed: 4 variant alleles.
Comment: BS2, BS3_supporting

Molecular Genetics, Royal Melbourne Hospital
Classification: Benign for Bartter disease type 2. Last evaluated: 2023-05-04. Review status: criteria provided, single submitter. Criteria: ACMG Guidelines, 2015. Collection method: clinical testing. Allele origin: germline. Affected: yes.
Comment: European Non-Finnish population allele frequency is 1.112% (rs59172778, 1491/129090 alleles, 14 homozygotes in gnomAD v2.1). Based on the classification scheme RMH Modified ACMG/AMP Guidelines v1.5.1, this variant is classified as BENIGN. Following criteria are met: BA1

Women's Health and Genetics/Laboratory Corporation of America, LabCorp
Classification: Likely benign. Last evaluated: 2022-02-18. Review status: criteria provided, single submitter. Criteria: LabCorp Variant Classification Summary - May 2015. Collection method: clinical testing. Allele origin: germline.

GeneDx
Classification: Benign. Last evaluated: 2021-05-05. Review status: criteria provided, single submitter. Criteria: GeneDx Variant Classification Process June 2021. Collection method: clinical testing. Allele origin: germline. Affected: yes.
Comment: This variant is associated with the following publications: (PMID: 9580661, 20981092, 8841184, 27884173, 12589089, 28492530, 29191167)

Center for Pediatric Genomic Medicine, Children's Mercy Hospital and Clinics
Classification: Benign. Last evaluated: 2015-11-24. Review status: criteria provided, single submitter. Criteria: ACMG Guidelines, 2015. Collection method: clinical testing. Allele origin: germline.

Genomic Diagnostic Laboratory, Division of Genomic Diagnostics, Children's Hospital of Philadelphia
Classification: Benign. Last evaluated: 2015-06-08. Review status: criteria provided, single submitter. Criteria: DGD Variant Analysis Guidelines. Collection method: clinical testing. Allele origin: unknown.

Breakthrough Genomics
Classification: Likely benign. Review status: criteria provided, single submitter. Criteria: ACMG Guidelines, 2015. Collection method: not provided. Allele origin: germline. Inheritance: Autosomal recessive inheritance. Affected: yes.

PreventionGenetics, part of Exact Sciences
Classification: Benign for KCNJ1-related condition. Last evaluated: 2019-09-26. Review status: no assertion criteria provided. Collection method: clinical testing. Allele origin: germline. Not counted in ClinVar's aggregate classification.
Comment: This variant is classified as benign based on ACMG/AMP sequence variant interpretation guidelines (Richards et al. 2015 PMID: 25741868, with internal and published modifications).

OMIM
Classification: Pathogenic for BARTTER SYNDROME, TYPE 2, ANTENATAL. Last evaluated: 1996-10-01. Review status: no assertion criteria provided. Collection method: literature only. Allele origin: germline. Not counted in ClinVar's aggregate classification.

Clinical Genetics DNA and cytogenetics Diagnostics Lab, Erasmus MC, Erasmus Medical Center
Classification: Benign. Review status: no assertion criteria provided. Collection method: clinical testing. Allele origin: germline. Affected: yes. Study: VKGL Data-share Consensus. Not counted in ClinVar's aggregate classification.

Genome Diagnostics Laboratory, University Medical Center Utrecht
Classification: Likely benign. Review status: no assertion criteria provided. Collection method: clinical testing. Allele origin: germline. Affected: yes. Study: VKGL Data-share Consensus. Not counted in ClinVar's aggregate classification.

Literature cited by the submitters: PubMed 12589089 (cited by Mayo Clinic Laboratories, Mayo Clinic); PubMed 27884173 (cited by Mayo Clinic Laboratories, Mayo Clinic); PubMed 29191167 (cited by Mayo Clinic Laboratories, Mayo Clinic); PubMed 32251469 (cited by Mayo Clinic Laboratories, Mayo Clinic); PubMed 32926342 (cited by Mayo Clinic Laboratories, Mayo Clinic); PubMed 8841184 (cited by Mayo Clinic Laboratories, Mayo Clinic and OMIM); PubMed 9580661 (cited by Mayo Clinic Laboratories, Mayo Clinic).